The following is an entry in ClinVar:

NM_001366145.2(TRPM3):c.3821G>A (p.Arg1274His)

Genes: KLF9-DT (KLF9 divergent transcript; plus strand), TRPM3 (transient receptor potential cation channel subfamily M member 3; minus strand). Cytogenetic location: 9q21.12.
Variant type: single nucleotide variant.
Coding change: c.3821G>A on transcript NM_001366145.2 (MANE Select); coding-DNA position 3821, G replaced by A.
Protein change: p.Arg1274His; replaces arginine 1274 with histidine.
Molecular consequence: missense variant.
Genome position (GRCh38, 1-based): chr9:70,537,292, C>T on the plus strand (G>A on the coding strand, the complement: TRPM3 is on the minus strand). VCF-style: chr9-70537292-C-T. GRCh37 (hg19) VCF-style: chr9-73152208-C-T.
Other names: c.3785G>A, p.Arg1262His (NM_001007471.4, NM_001366151.2); c.3791G>A, p.Arg1264His (NM_001366141.2, NM_001366143.2, NM_001366149.2); c.3827G>A, p.Arg1276His (NM_001366142.2); c.3821G>A, p.Arg1274His (NM_001366146.2); c.3896G>A, p.Arg1299His (NM_001366147.2, NM_001366152.2); c.3866G>A, p.Arg1289His (NM_001366148.2); c.3755G>A, p.Arg1252His (NM_001366150.2); c.3362G>A, p.Arg1121His (NM_001366154.2, NM_024971.7); and 5 more; short protein forms R1099H, R1109H, R1111H, R1121H, R1124H, R1134H, R1252H, R1262H.
Identifiers: ClinVar variation 4690144 (VCV004690144.1).

ClinVar aggregate classification (germline): Uncertain significance (1 of 4 stars; one submission).

gnomAD v4.1: 10 of 1,556,458 alleles (0.00064%); highest among the groups gnomAD compares: African/African-American, 0.0069%; no homozygotes.

Submission:

GeneDx
Classification: Uncertain significance. Last evaluated: 2025-07-30. Review status: criteria provided, single submitter. Criteria: GeneDx Variant Classification Process June 2021. Collection method: clinical testing. Allele origin: germline. Affected: yes.
Comment: In silico analysis suggests that this missense variant does not alter protein structure/function; Has not been previously published as pathogenic or benign to our knowledge